The following is an entry in ClinVar:

NM_021930.6(RINT1):c.1933T>C (p.Ser645Pro)

Genes: EFCAB10 (EF-hand calcium binding domain 10; minus strand), RINT1 (RAD50 interactor 1; plus strand). Cytogenetic location: 7q22.3.
Variant type: single nucleotide variant.
Coding change: c.1933T>C on transcript NM_021930.6 (MANE Select); coding-DNA position 1933, T replaced by C.
Protein change: p.Ser645Pro; replaces serine 645 with proline.
Molecular consequence: missense variant. On other transcripts: 3 prime UTR variant (3), non-coding transcript variant (1).
Genome position (GRCh38, 1-based): chr7:105,565,323, T>C. VCF-style: chr7-105565323-T-C. GRCh37 (hg19) VCF-style: chr7-105205770-T-C.
Other names: c.*124A>G (NM_001355526.2); c.*226A>G (NM_001355530.2); c.*79A>G (NM_001355531.2); c.1699T>C, p.Ser567Pro (NM_001346599.2); c.910T>C, p.Ser304Pro (NM_001346600.2, NM_001346603.2); c.1009T>C, p.Ser337Pro (NM_001346601.2); short protein forms S304P, S337P, S645P, S567P.
Identifiers: ClinVar variation 3433622 (VCV003433622.1).

ClinVar aggregate classification (germline): Uncertain significance (1 of 4 stars; one submission).

Submission:

Ambry Genetics
Classification: Uncertain significance. Last evaluated: 2024-09-12. Review status: criteria provided, single submitter. Criteria: Ambry Variant Classification Scheme 2023. Collection method: clinical testing. Allele origin: germline.
Comment: The p.S645P variant (also known as c.1933T>C), located in coding exon 13 of the RINT1 gene, results from a T to C substitution at nucleotide position 1933. The serine at codon 645 is replaced by proline, an amino acid with similar properties. This amino acid position is conserved. In addition, this alteration is predicted to be deleterious by in silico analysis. Based on the available evidence, the clinical significance of this variant remains unclear.